The following is an entry in ClinVar:

ClinVar aggregate classification (germline): Likely pathogenic. Review status: criteria provided, multiple submitters, no conflicts (2 of 4 stars). 2 submissions from 2 submitters: Likely pathogenic (2). Last evaluated 2024-06-11.

Conditions:
Neuromuscular disease caused by qualitative or quantitative defects of dysferlin. Also called: Qualitative or quantitative defects of dysferlin; Dysferlinopathy. Identifiers: Orphanet 207073, MedGen C2931687, MONDO:0016145.
Autosomal recessive limb-girdle muscular dystrophy type 2B (LGMDR2). Also called: MUSCULAR DYSTROPHY, LIMB-GIRDLE, AUTOSOMAL RECESSIVE 2; Limb-girdle muscular dystrophy, type 2B; MUSCULAR DYSTROPHY, LIMB-GIRDLE, TYPE 3; Limb-Girdle Muscular Dystrophy Type 2B (LGMD2B). Identifiers: Orphanet 268, MedGen C1850889, MONDO:0009676, OMIM 253601.
Distal myopathy with anterior tibial onset. Identifiers: Orphanet 178400, MedGen C1847532, MONDO:0011721, OMIM 606768.
Miyoshi muscular dystrophy 1 (MMD1). Identifiers: Orphanet 45448, MedGen C4551973, MONDO:0024545, OMIM 254130.

gnomAD v4.1: 1 of 1,614,104 alleles (0.000062%); highest among the groups gnomAD compares: Admixed American, 0.0017%; no homozygotes.

Submissions (2):

Fulgent Genetics
Classification: Likely pathogenic for Autosomal recessive limb-girdle muscular dystrophy type 2B; Miyoshi muscular dystrophy 1; Distal myopathy with anterior tibial onset. Last evaluated: 2024-06-11. Review status: criteria provided, single submitter. Criteria: ACMG Guidelines, 2015. Collection method: clinical testing. Allele origin: germline.

Labcorp Genetics (formerly Invitae), Labcorp
Classification: Likely pathogenic for Neuromuscular disease caused by qualitative or quantitative defects of dysferlin. Last evaluated: 2023-11-24. Review status: criteria provided, single submitter. Criteria: Invitae Variant Classification Sherloc (09022015). Collection method: clinical testing. Allele origin: germline.
Comment: This sequence change replaces arginine, which is basic and polar, with proline, which is neutral and non-polar, at codon 1768 of the DYSF protein (p.Arg1768Pro). This variant is present in population databases (no rsID available, gnomAD 0.003%). This variant has not been reported in the literature in individuals affected with DYSF-related conditions. ClinVar contains an entry for this variant (Variation ID: 1991591). Advanced modeling of protein sequence and biophysical properties (such as structural, functional, and spatial information, amino acid conservation, physicochemical variation, residue mobility, and thermodynamic stability) performed at Invitae indicates that this missense variant is expected to disrupt DYSF protein function with a positive predictive value of 95%. This variant disrupts the p.Arg1768 amino acid residue in DYSF. Other variant(s) that disrupt this residue have been determined to be pathogenic (PMID: 17070050, 17698709, 18853459, 25591676, 25783436, 27647186). This suggests that this residue is clinically significant, and that variants that disrupt this residue are likely to be disease-causing. In summary, the currently available evidence indicates that the variant is pathogenic, but additional data are needed to prove that conclusively. Therefore, this variant has been classified as Likely Pathogenic.

Literature cited by the submitters: PubMed 17070050 (cited by Labcorp Genetics (formerly Invitae), Labcorp); PubMed 17698709 (cited by Labcorp Genetics (formerly Invitae), Labcorp); PubMed 18853459 (cited by Labcorp Genetics (formerly Invitae), Labcorp); PubMed 25591676 (cited by Labcorp Genetics (formerly Invitae), Labcorp); PubMed 25783436 (cited by Labcorp Genetics (formerly Invitae), Labcorp); PubMed 27647186 (cited by Labcorp Genetics (formerly Invitae), Labcorp).

NM_001130987.2(DYSF):c.5420G>C (p.Arg1807Pro)

Gene: DYSF (dysferlin; plus strand). Cytogenetic location: 2p13.2.
Variant type: single nucleotide variant.
Coding change: c.5420G>C on transcript NM_001130987.2 (MANE Select); coding-DNA position 5420, G replaced by C.
Protein change: p.Arg1807Pro; replaces arginine 1807 with proline.
Molecular consequence: missense variant.
Genome position (GRCh38, 1-based): chr2:71,667,478, G>C. VCF-style: chr2-71667478-G-C. GRCh37 (hg19) VCF-style: chr2-71894608-G-C.
Other names: c.5306G>C, p.Arg1769Pro (NM_001130455.2); c.5261G>C, p.Arg1754Pro (NM_001130976.2); c.5324G>C, p.Arg1775Pro (NM_001130977.2); c.5366G>C, p.Arg1789Pro (NM_001130978.2); c.5396G>C, p.Arg1799Pro (NM_001130979.2); c.5354G>C, p.Arg1785Pro (NM_001130980.2); c.5417G>C, p.Arg1806Pro (NM_001130981.2); c.5399G>C, p.Arg1800Pro (NM_001130982.2); and 5 more; short protein forms R1755P, R1775P, R1776P, R1785P, R1790P, R1800P, R1786P, R1806P.
Identifiers: ClinVar variation 1991591 (VCV001991591.5), dbSNP rs148860301, ClinGen allele CA347221413.